The following is an entry in ClinVar:

ClinVar aggregate classification (germline): Benign. Review status: criteria provided, multiple submitters, no conflicts (2 of 4 stars). 3 submissions from 3 submitters: Benign (3). Last evaluated 2021-07-01.

Conditions:
Usher syndrome type 1F (USH1F). Also called: USHER SYNDROME, TYPE IF. Identifiers: Orphanet 231169, Orphanet 886, MedGen C1865885, MONDO:0011186, OMIM 602083.

Allele frequency attached by ClinVar (database versions not stated): TOPMed 0.44826; gnomAD 0.43920 and 0.44502; gnomAD exomes 0.45114; 1000 Genomes Project 30x 0.49969; 1000 Genomes Project 0.50339.
gnomAD v4.1: 582,727 of 1,294,584 alleles (45%); highest among the groups gnomAD compares: East Asian, 79%; 134,514 homozygotes.

Submissions (3):

Genome-Nilou Lab
Classification: Benign for Usher syndrome type 1F. Last evaluated: 2021-07-01. Review status: criteria provided, single submitter. Criteria: ACMG Guidelines, 2015. Collection method: clinical testing. Allele origin: germline. Affected: no.

GeneDx
Classification: Benign. Last evaluated: 2018-06-14. Review status: criteria provided, single submitter. Criteria: GeneDx Variant Classification (06012015). Collection method: clinical testing. Allele origin: germline. Affected: yes.
Comment: This variant is considered likely benign or benign based on one or more of the following criteria: it is a conservative change, it occurs at a poorly conserved position in the protein, it is predicted to be benign by multiple in silico algorithms, and/or has population frequency not consistent with disease.

Breakthrough Genomics
Classification: Benign. Review status: criteria provided, single submitter. Criteria: ACMG Guidelines, 2015. Collection method: not provided. Allele origin: germline. Inheritance: Autosomal recessive inheritance. Affected: yes.

NM_001384140.1(PCDH15):c.4367+119T>C

Gene: PCDH15 (protocadherin related 15; minus strand). Cytogenetic location: 10q21.1.
Variant type: single nucleotide variant.
Coding change: c.4367+119T>C on transcript NM_001384140.1 (MANE Select); 119 bases into the intron after coding-DNA position 4367, T replaced by C.
Molecular consequence: intron variant.
Genome position (GRCh38, 1-based): chr10:53,827,274, A>G on the plus strand (T>C on the coding strand, the complement: PCDH15 is on the minus strand). VCF-style: chr10-53827274-A-G. GRCh37 (hg19) VCF-style: chr10-55587034-A-G.
Other names: c.4367+119T>C (NM_001354420.2, NM_001354429.2, NM_001142772.2 and 3 more transcripts); c.4382+119T>C (NM_001142771.2, NM_001142763.2); c.4388+119T>C (NM_001354411.2); c.4403+119T>C (NM_001142769.3); c.4301+119T>C (NM_001354404.2, NM_001142768.2); c.4292+119T>C (NM_001142773.2); c.4247+119T>C (NM_001142767.2); c.4154+119T>C (NM_001142765.2); and 1 more.
Identifiers: ClinVar variation 670409 (VCV000670409.5), dbSNP rs10740555, ClinGen allele CA13363627.
Genomic context (GRCh38, chr10:53,827,274, plus strand): 5'-TATTATTTTTCAACTTAACCTTTCTTAGATTTTCGTCTTAACAAATTTTCTCTTGAAAAT[A>G]ATAGAATAAAATAAATAGTCCATGTAGGCATTTCCACATCAGATTGAAATTAAATACTCA-3'